The following is an entry in ClinVar:

NM_005548.3(KARS1):c.1696-2A>C

Gene: KARS1 (lysyl-tRNA synthetase 1; minus strand). Cytogenetic location: 16q23.1.
Variant type: single nucleotide variant.
Coding change: c.1696-2A>C on transcript NM_005548.3 (MANE Select); the canonical splice acceptor site of the intron before coding-DNA position 1696, A replaced by C.
Molecular consequence: splice acceptor variant.
Genome position (GRCh38, 1-based): chr16:75,627,995, T>G on the plus strand (A>C on the coding strand, the complement: KARS1 is on the minus strand). VCF-style: chr16-75627995-T-G. GRCh37 (hg19) VCF-style: chr16-75661893-T-G.
Other names: c.1780-2A>C (NM_001130089.2); c.1228-2A>C (NM_001378148.1).
Identifiers: ClinVar variation 1675188 (VCV001675188.2), dbSNP rs1299524768, ClinGen allele CA396809388.

ClinVar aggregate classification (germline): Pathogenic (1 of 4 stars; one submission).

Conditions:
Autosomal recessive nonsyndromic hearing loss 89. Also called: Deafness, autosomal recessive 89. Identifiers: Orphanet 90636, MedGen C3151351, MONDO:0013489, OMIM 613916.

Submission:

Centre of Medical Genetics, University Hospital Muenster
Classification: Pathogenic for Autosomal recessive nonsyndromic hearing loss 89. Last evaluated: 2022-02-14. Review status: criteria provided, single submitter. Criteria: ACMG Guidelines, 2015. Collection method: clinical testing. Allele origin: germline. Affected: yes. Observed: 1 variant allele, 1 heterozygote.
Comment: ACMG categories: PVS1,PM2,PP3